The following is an entry in ClinVar:

ClinVar aggregate classification (germline): Uncertain significance (1 of 4 stars; one submission).

Conditions:
Noonan syndrome 9 (NS9). Identifiers: Orphanet 648, MedGen C4225282, MONDO:0014691, OMIM 616559.

gnomAD v4.1: 1 of 1,423,638 alleles (0.00007%); highest among the groups gnomAD compares: Admixed American, 0.0018%; no homozygotes.

Submission:

Labcorp Genetics (formerly Invitae), Labcorp
Classification: Uncertain significance for Noonan syndrome 9. Last evaluated: 2025-07-30. Review status: criteria provided, single submitter. Criteria: Invitae Variant Classification Sherloc (09022015). Collection method: clinical testing. Allele origin: germline.
Comment: This sequence change replaces phenylalanine, which is neutral and non-polar, with isoleucine, which is neutral and non-polar, at codon 988 of the SOS2 protein (p.Phe988Ile). This variant is present in population databases (no rsID available, gnomAD 0.003%). This variant has not been reported in the literature in individuals affected with SOS2-related conditions. ClinVar contains an entry for this variant (Variation ID: 3665642). Invitae Evidence Modeling of protein sequence and biophysical properties (such as structural, functional, and spatial information, amino acid conservation, physicochemical variation, residue mobility, and thermodynamic stability) has been performed for this missense variant. However, the output from this modeling did not meet the statistical confidence thresholds required to predict the impact of this variant on SOS2 protein function. In summary, the available evidence is currently insufficient to determine the role of this variant in disease. Therefore, it has been classified as a Variant of Uncertain Significance.

NM_006939.4(SOS2):c.2962T>A (p.Phe988Ile)

Gene: SOS2 (SOS Ras/Rho guanine nucleotide exchange factor 2; minus strand). Cytogenetic location: 14q21.3.
Variant type: single nucleotide variant.
Coding change: c.2962T>A on transcript NM_006939.4 (MANE Select); coding-DNA position 2962, T replaced by A.
Protein change: p.Phe988Ile; replaces phenylalanine 988 with isoleucine.
Molecular consequence: missense variant.
Genome position (GRCh38, 1-based): chr14:50,134,236, A>T on the plus strand (T>A on the coding strand, the complement: SOS2 is on the minus strand). VCF-style: chr14-50134236-A-T. GRCh37 (hg19) VCF-style: chr14-50600954-A-T.
Other names: c.2863T>A, p.Phe955Ile (NM_001411020.1); short protein forms F955I, F988I.
Identifiers: ClinVar variation 3665642 (VCV003665642.2).
Genomic context (GRCh38, chr14:50,134,236, plus strand): 5'-ACAAATAATCTGTAAACTCTTTTTCAGATGCACTTCCCATGGGGTTAAGGTTTTCAAAGA[A>T]TCTCTGGAATTAAACAAATAACACAAGTGCATATATAGTAAGTATATATTTTAGATCTTA-3'
Protein context (NP_008870.2, residues 978-998): CLRIEPDMRR[Phe988Ile]FENLNPMGSA